The following is an entry in ClinVar:

NM_018062.4(FANCL):c.40del (p.Leu14fs)

Gene: FANCL (FA complementation group L; minus strand). Cytogenetic location: 2p16.1.
Variant type: Deletion.
Coding change: c.40del on transcript NM_018062.4 (MANE Select); coding-DNA position 40, one base deleted (C; older notation c.40delC).
Protein change: p.Leu14fs; shifts the reading frame from leucine 14.
Molecular consequence: frameshift variant.
Genome position (GRCh38, 1-based): chr2:58,241,274, G deleted on the plus strand (C on the coding strand, the reverse complement: FANCL is on the minus strand); the first of 5 consecutive G bases (chr2:58,241,274-58,241,278); deleting any one gives the same sequence. VCF-style (leftmost placement, unchanged base first): chr2-58241273-AG-A. GRCh37 (hg19) VCF-style: chr2-58468408-AG-A.
Other names: c.36delC, p.Leu14Cysfs (NM_001114636.2, NM_018062.3); c.40del, p.Leu14fs (NM_001374615.1, NM_001410792.1); short protein forms L14fs.
Identifiers: ClinVar variation 958767 (VCV000958767.11), dbSNP rs761039364, ClinGen allele CA1670832.

ClinVar aggregate classification (germline): Pathogenic/Likely pathogenic. Review status: criteria provided, multiple submitters, no conflicts (2 of 4 stars). 3 submissions from 3 submitters: Pathogenic (1); Likely pathogenic (2). Last evaluated 2025-12-23.

Conditions:
Fanconi anemia (FA). Also called: Fanconi's anemia. Identifiers: Orphanet 84, MedGen C0015625, MeSH D005199, MONDO:0019391.
Fanconi anemia complementation group L (FANCL). Also called: FANCL-Related Fanconi Anemia. Identifiers: Orphanet 84, MedGen C3469528, MONDO:0013566, OMIM 614083.

Submissions (3):

Labcorp Genetics (formerly Invitae), Labcorp
Classification: Pathogenic for Fanconi anemia. Last evaluated: 2025-12-23. Review status: criteria provided, single submitter. Criteria: Invitae Variant Classification Sherloc (09022015). Collection method: clinical testing. Allele origin: germline.
Comment: This sequence change creates a premature translational stop signal (p.Leu14Cysfs*27) in the FANCL gene. It is expected to result in an absent or disrupted protein product. Loss-of-function variants in FANCL are known to be pathogenic (PMID: 19405097, 23613520). This variant is present in population databases (rs761039364, gnomAD 0.01%). This variant has not been reported in the literature in individuals affected with FANCL-related conditions. ClinVar contains an entry for this variant (Variation ID: 958767). For these reasons, this variant has been classified as Pathogenic.

Fulgent Genetics
Classification: Likely pathogenic for Fanconi anemia complementation group L. Last evaluated: 2024-04-11. Review status: criteria provided, single submitter. Criteria: ACMG Guidelines, 2015. Collection method: clinical testing. Allele origin: germline.

Baylor Genetics
Classification: Likely pathogenic for Fanconi anemia complementation group L. Last evaluated: 2023-10-20. Review status: criteria provided, single submitter. Criteria: ACMG Guidelines, 2015. Collection method: clinical testing. Allele origin: unknown.

Literature cited by the submitters: PubMed 19405097 (cited by Labcorp Genetics (formerly Invitae), Labcorp); PubMed 23613520 (cited by Labcorp Genetics (formerly Invitae), Labcorp).